The following is an entry in ClinVar:

ClinVar aggregate classification (germline): Conflicting classifications of pathogenicity. Review status: criteria provided, conflicting classifications (1 of 4 stars). 2 submissions from 2 submitters: Uncertain significance (1); Likely benign (1). Last evaluated 2024-02-20.

Conditions:
Koolen-de Vries syndrome (KDVS). Identifiers: Orphanet 96169, MedGen C1864871, MONDO:0012496, OMIM 610443.

gnomAD v4.1: 2 of 1,613,980 alleles (0.00012%); highest among the groups gnomAD compares: Non-Finnish European, 0.00017%; no homozygotes.

Submissions (2):

Fulgent Genetics
Classification: Uncertain significance for Koolen-de Vries syndrome. Last evaluated: 2024-02-20. Review status: criteria provided, single submitter. Criteria: ACMG Guidelines, 2015. Collection method: clinical testing. Allele origin: germline.

GeneDx
Classification: Likely benign. Last evaluated: 2016-03-07. Review status: criteria provided, single submitter. Criteria: GeneDx Variant Classification (06012015). Collection method: clinical testing. Allele origin: germline. Affected: yes.
Comment: This variant is considered likely benign or benign based on one or more of the following criteria: it is a conservative change, it occurs at a poorly conserved position in the protein, it is predicted to be benign by multiple in silico algorithms, and/or has population frequency not consistent with disease.

NM_015443.4(KANSL1):c.635A>C (p.His212Pro)

Gene: KANSL1 (KAT8 regulatory NSL complex subunit 1). Cytogenetic location: 17q21.31.
Variant type: single nucleotide variant.
Coding change: c.635A>C on transcript NM_015443.4 (MANE Select); coding-DNA position 635, A replaced by C.
Protein change: p.His212Pro; replaces histidine 212 with proline.
Molecular consequence: missense variant.
Genome position (GRCh38, 1-based): chr17:46,171,509, T>G on the plus strand (A>C on the coding strand, the complement: KANSL1 is on the minus strand). VCF-style: chr17-46171509-T-G. GRCh37 (hg19) VCF-style: chr17-44248875-T-G.
Other names: c.635A>C, p.His212Pro (NM_001193465.2, NM_001193466.2, NM_001379198.1); short protein forms H212P.
Identifiers: ClinVar variation 384528 (VCV000384528.2), dbSNP rs141110759, ClinGen allele CA16607717.